The following is an entry in ClinVar:

ClinVar aggregate classification (germline): Conflicting classifications of pathogenicity. Review status: criteria provided, conflicting classifications (1 of 4 stars). 6 submissions from 6 submitters: Uncertain significance (1); Benign (1); Likely benign (3). 1 of the submissions does not count toward it. Last evaluated 2024-05-31.

Conditions:
Cardiovascular phenotype. Identifiers: MedGen CN230736.
MYBPC3-related disorder. Also called: MYBPC3-related disorders; MYBPC3-related condition; MYBPC3-related disease.
Cardiomyopathy (CMYO). Also called: Cardiomyopathies. Identifiers: Orphanet 167848, MedGen C0878544, MONDO:0004994, HP:0001638. Inheritance: Various modes of inheritance.
Hypertrophic cardiomyopathy. Also called: HYPERTROPHIC MYOCARDIOPATHY. Identifiers: Orphanet 217569, MedGen C0007194, MeSH D002312, MONDO:0005045, HP:0001639.

Submissions (6):

Labcorp Genetics (formerly Invitae), Labcorp
Classification: Uncertain significance for Hypertrophic cardiomyopathy. Last evaluated: 2024-05-31. Review status: criteria provided, single submitter. Criteria: Invitae Variant Classification Sherloc (09022015). Collection method: clinical testing. Allele origin: germline.
Comment: This sequence change affects codon 592 of the MYBPC3 mRNA. It is a 'silent' change, meaning that it does not change the encoded amino acid sequence of the MYBPC3 protein. This variant is not present in population databases (gnomAD no frequency). This variant has not been reported in the literature in individuals affected with MYBPC3-related conditions. ClinVar contains an entry for this variant (Variation ID: 164100). Algorithms developed to predict the effect of sequence changes on RNA splicing suggest that this variant may disrupt the consensus splice site. In summary, the available evidence is currently insufficient to determine the role of this variant in disease. Therefore, it has been classified as a Variant of Uncertain Significance.

CHEO Genetics Diagnostic Laboratory, Children's Hospital of Eastern Ontario
Classification: Likely benign for Cardiomyopathy. Last evaluated: 2018-03-19. Review status: criteria provided, single submitter. Criteria: ACMG Guidelines, 2015. Collection method: clinical testing. Allele origin: germline.

Ambry Genetics
Classification: Likely benign for Cardiovascular phenotype. Last evaluated: 2017-07-12. Review status: criteria provided, single submitter. Criteria: Ambry Variant Classification Scheme 2023. Collection method: clinical testing. Allele origin: germline.

GeneDx
Classification: Benign. Last evaluated: 2015-03-03. Review status: criteria provided, single submitter. Criteria: GeneDx Variant Classification Process June 2021. Collection method: clinical testing. Allele origin: germline. Affected: yes.

Laboratory for Molecular Medicine, Mass General Brigham Personalized Medicine
Classification: Likely benign. Last evaluated: 2014-09-05. Review status: criteria provided, single submitter. Criteria: LMM Criteria. Collection method: clinical testing. Allele origin: germline. Observed: 1 variant allele.
Comment: Val592Val in exon 18 of MYBPC3: This variant is not expected to have clinical si gnificance because it does not alter an amino acid residue and is not located wi thin the splice consensus sequence. However, computational tools predict that th is variant may create of a novel 5' splice site, which if created would be expec ted to lead to an absent or truncated protein.

PreventionGenetics, part of Exact Sciences
Classification: Uncertain significance for MYBPC3-related condition. Last evaluated: 2024-04-18. Review status: no assertion criteria provided. Collection method: clinical testing. Allele origin: germline. Not counted in ClinVar's aggregate classification.
Comment: The MYBPC3 c.1776G>A variant is not predicted to result in an amino acid change (p.=). This variant is predicted to alter splicing based on available splicing prediction programs (SpliceAI, Jaganathan et al. 2019. PubMed ID: 30661751; Alamut Visual Plus v1.6.1). However, the use of computer prediction programs is not equivalent to functional evidence. To our knowledge, this variant has not been reported in the literature or in a large population database, indicating this variant is rare. At this time, the clinical significance of this variant is uncertain due to the absence of conclusive functional and genetic evidence.

NM_000256.3(MYBPC3):c.1776G>A (p.Val592=)

Gene: MYBPC3 (myosin binding protein C3; minus strand). Cytogenetic location: 11p11.2.
Variant type: single nucleotide variant.
Coding change: c.1776G>A on transcript NM_000256.3 (MANE Select); coding-DNA position 1776, G replaced by A.
Protein change: p.Val592=; no amino-acid change (valine 592 retained).
Molecular consequence: synonymous variant.
Genome position (GRCh38, 1-based): chr11:47,342,005, C>T on the plus strand (G>A on the coding strand, the complement: MYBPC3 is on the minus strand). VCF-style: chr11-47342005-C-T. GRCh37 (hg19) VCF-style: chr11-47363556-C-T.
Identifiers: ClinVar variation 164100 (VCV000164100.18), dbSNP rs727503196, ClinGen allele CA011078.